The following is an entry in ClinVar:

NM_001184900.3(CARD8):c.509T>C (p.Val170Ala)

Gene: CARD8 (caspase recruitment domain family member 8; minus strand). Cytogenetic location: 19q13.33.
Variant type: single nucleotide variant.
Coding change: c.509T>C on transcript NM_001184900.3 (MANE Select); coding-DNA position 509, T replaced by C.
Protein change: p.Val170Ala; replaces valine 170 with alanine.
Molecular consequence: missense variant. On other transcripts: non-coding transcript variant (4).
Genome position (GRCh38, 1-based): chr19:48,231,693, A>G on the plus strand (T>C on the coding strand, the complement: CARD8 is on the minus strand). VCF-style: chr19-48231693-A-G. GRCh37 (hg19) VCF-style: chr19-48734950-A-G.
Other names: c.509T>C (NM_001184900.1); c.359T>C, p.Val120Ala (NM_001184901.1, NM_001351783.2, NM_001351788.2 and 2 more transcripts); c.509T>C, p.Val170Ala (NM_001184902.2, NM_001184903.1, NM_001351782.2); c.194T>C, p.Val65Ala (NM_001351784.2, NM_001351787.2, NM_001351791.2 and 2 more transcripts); c.173T>C, p.Val58Ala (NM_001351786.2); c.266T>C, p.Val89Ala (NM_001351790.2); short protein forms V65A, V89A, V120A, V58A, V170A.
Identifiers: ClinVar variation 1374996 (VCV001374996.9), dbSNP rs74990657, ClinGen allele CA9548001.

ClinVar aggregate classification (germline): Uncertain significance. Review status: criteria provided, multiple submitters, no conflicts (2 of 4 stars). 2 submissions from 2 submitters: Uncertain significance (2). Last evaluated 2025-10-21.

Allele frequency attached by ClinVar (database versions not stated): gnomAD exomes below 0.00001; TOPMed below 0.00001; ExAC 0.00001; gnomAD 0.00001; ESP Exome Variant Server 0.00008.

Submissions (2):

Ambry Genetics
Classification: Uncertain significance. Last evaluated: 2025-10-21. Review status: criteria provided, single submitter. Criteria: Ambry Variant Classification Scheme 2023. Collection method: clinical testing. Allele origin: germline.

Labcorp Genetics (formerly Invitae), Labcorp
Classification: Uncertain significance. Last evaluated: 2022-09-01. Review status: criteria provided, single submitter. Criteria: Invitae Variant Classification Sherloc (09022015). Collection method: clinical testing. Allele origin: germline.
Comment: In summary, the available evidence is currently insufficient to determine the role of this variant in disease. Therefore, it has been classified as a Variant of Uncertain Significance. Algorithms developed to predict the effect of missense changes on protein structure and function are either unavailable or do not agree on the potential impact of this missense change (SIFT: "Deleterious"; PolyPhen-2: "Benign"; Align-GVGD: "Class C0"). ClinVar contains an entry for this variant (Variation ID: 1374996). This variant has not been reported in the literature in individuals affected with CARD8-related conditions. This variant is present in population databases (rs74990657, gnomAD 0.007%). This sequence change replaces valine, which is neutral and non-polar, with alanine, which is neutral and non-polar, at codon 120 of the CARD8 protein (p.Val120Ala).